The following is an entry in ClinVar:

NM_000051.4(ATM):c.2972del (p.Ile990_Leu991insTer)

Gene: ATM (ATM serine/threonine kinase; plus strand). Cytogenetic location: 11q22.3.
Variant type: Deletion.
Coding change: c.2972del on transcript NM_000051.4 (MANE Select); coding-DNA position 2972, one base deleted (T; older notation c.2972delT).
Protein change: p.Ile990_Leu991insTer.
Molecular consequence: nonsense.
Genome position (GRCh38, 1-based): chr11:108,271,301, T deleted; the last of 4 consecutive T bases (chr11:108,271,298-108,271,301); deleting any one gives the same sequence. VCF-style (leftmost placement, unchanged base first): chr11-108271297-AT-A. GRCh37 (hg19) VCF-style: chr11-108142024-AT-A.
Other names: c.2972del, p.Ile990_Leu991insTer (NM_001351834.2).
Identifiers: ClinVar variation 1074382 (VCV001074382.7), dbSNP rs2135552505, ClinGen allele CA2499220601.

ClinVar aggregate classification (germline): Pathogenic (1 of 4 stars; one submission).

Conditions:
Ataxia-telangiectasia syndrome (AT). Also called: Cerebello-oculocutaneous telangiectasia; Immunodeficiency with ataxia telangiectasia; ATAXIA-TELANGIECTASIA, FRESNO VARIANT; Ataxia-telangiectasia, complementation group D; Ataxia telangiectasia (A-T); LOUIS-BAR SYNDROME. Identifiers: Orphanet 100, MedGen C0004135, MONDO:0008840, OMIM 208900.

Submission:

Labcorp Genetics (formerly Invitae), Labcorp
Classification: Pathogenic for Ataxia-telangiectasia syndrome. Last evaluated: 2023-11-27. Review status: criteria provided, single submitter. Criteria: Invitae Variant Classification Sherloc (09022015). Collection method: clinical testing. Allele origin: germline.
Comment: This sequence change creates a premature translational stop signal (p.Leu991*) in the ATM gene. It is expected to result in an absent or disrupted protein product. Loss-of-function variants in ATM are known to be pathogenic (PMID: 23807571, 25614872). This variant is not present in population databases (gnomAD no frequency). This variant has not been reported in the literature in individuals affected with ATM-related conditions. ClinVar contains an entry for this variant (Variation ID: 1074382). For these reasons, this variant has been classified as Pathogenic.

Literature cited by the submitters: PubMed 23807571; PubMed 25614872.